The following is an entry in ClinVar:

ClinVar aggregate classification (germline): Likely pathogenic (1 of 4 stars; one submission).

Allele frequency attached by ClinVar (database versions not stated): gnomAD exomes below 0.00001; ExAC 0.00001.
gnomAD v4.1: 1 of 1,609,642 alleles (0.000062%); highest among the groups gnomAD compares: South Asian, 0.0011%; no homozygotes.

Submission:

Labcorp Genetics (formerly Invitae), Labcorp
Classification: Likely pathogenic. Last evaluated: 2021-12-29. Review status: criteria provided, single submitter. Criteria: Invitae Variant Classification Sherloc (09022015). Collection method: clinical testing. Allele origin: germline.
Comment: This sequence change affects an acceptor splice site in intron 26 of the ABCA4 gene. It is expected to disrupt RNA splicing. Variants that disrupt the donor or acceptor splice site typically lead to a loss of protein function (PMID: 16199547), and loss-of-function variants in ABCA4 are known to be pathogenic (PMID: 10958761, 24938718, 25312043, 26780318). In summary, the currently available evidence indicates that the variant is pathogenic, but additional data are needed to prove that conclusively. Therefore, this variant has been classified as Likely Pathogenic. Algorithms developed to predict the effect of sequence changes on RNA splicing suggest that this variant may disrupt the consensus splice site. This variant has not been reported in the literature in individuals affected with ABCA4-related conditions. This variant is present in population databases (rs769687104, gnomAD 0.003%).

Literature cited by the submitters: PubMed 16199547; PubMed 10958761; PubMed 24938718; PubMed 25312043; PubMed 26780318.

NM_000350.3(ABCA4):c.3863-2A>G

Gene: ABCA4 (ATP binding cassette subfamily A member 4; minus strand). Cytogenetic location: 1p22.1.
Variant type: single nucleotide variant.
Coding change: c.3863-2A>G on transcript NM_000350.3 (MANE Select); the canonical splice acceptor site of the intron before coding-DNA position 3863, A replaced by G.
Molecular consequence: splice acceptor variant.
Genome position (GRCh38, 1-based): chr1:94,032,045, T>C on the plus strand (A>G on the coding strand, the complement: ABCA4 is on the minus strand). VCF-style: chr1-94032045-T-C. GRCh37 (hg19) VCF-style: chr1-94497601-T-C.
Identifiers: ClinVar variation 2063742 (VCV002063742.4), dbSNP rs769687104, ClinGen allele CA957782.
Genomic context (GRCh38, chr1:94,032,045, plus strand): 5'-TCTGGGACCCAAGCAGGGGTGTCGGGGGTTGACGTTTTCTCTTTTCTGCTGAGCGCCACC[T>C]GTTTTGAGAGATTGAATTAATAATTTGGAAAATGCCTATAAGGTCTGGATCTCTAATGCC-3'